The following is an entry in ClinVar:

NM_002497.4(NEK2):c.1112-2del

Gene: NEK2 (NIMA related kinase 2; minus strand). Cytogenetic location: 1q32.3.
Variant type: Deletion.
Coding change: c.1112-2del on transcript NM_002497.4 (MANE Select); the canonical splice acceptor site of the intron before coding-DNA position 1112, one base deleted (A; older notation c.1112-2delA).
Molecular consequence: splice acceptor variant. On other transcripts: intron variant (1).
Genome position (GRCh38, 1-based): chr1:211,663,654, T deleted on the plus strand (A on the coding strand, the reverse complement: NEK2 is on the minus strand); the first of 3 consecutive T bases (chr1:211,663,654-211,663,656); deleting any one gives the same sequence. VCF-style (leftmost placement, unchanged base first): chr1-211663653-CT-C. GRCh37 (hg19) VCF-style: chr1-211836995-CT-C.
Other names: c.1111+3452del (NM_001204182.2).
Identifiers: ClinVar variation 2065506 (VCV002065506.4), dbSNP rs2464371810, ClinGen allele CA2580062021.

ClinVar aggregate classification (germline): Uncertain significance (1 of 4 stars; one submission).

Submission:

Labcorp Genetics (formerly Invitae), Labcorp
Classification: Uncertain significance. Last evaluated: 2021-12-29. Review status: criteria provided, single submitter. Criteria: Invitae Variant Classification Sherloc (09022015). Collection method: clinical testing. Allele origin: germline.
Comment: In summary, the available evidence is currently insufficient to determine the role of this variant in disease. Therefore, it has been classified as a Variant of Uncertain Significance. Variants that disrupt the consensus splice site are a relatively common cause of aberrant splicing (PMID: 17576681, 9536098). Experimental studies and prediction algorithms are not available or were not evaluated, and the effect of this variant on mRNA splicing is currently unknown. This variant has not been reported in the literature in individuals affected with NEK2-related conditions. This variant is not present in population databases (gnomAD no frequency). This sequence change falls in intron 7 of the NEK2 gene. It does not directly change the encoded amino acid sequence of the NEK2 protein. It affects a nucleotide within the consensus splice site.

Literature cited by the submitters: PubMed 17576681; PubMed 9536098.